The following is an entry in ClinVar:

NM_000051.4(ATM):c.4293T>C (p.Asn1431=)

Gene: ATM (ATM serine/threonine kinase; plus strand). Cytogenetic location: 11q22.3.
Variant type: single nucleotide variant.
Coding change: c.4293T>C on transcript NM_000051.4 (MANE Select); coding-DNA position 4293, T replaced by C.
Protein change: p.Asn1431=; no amino-acid change (asparagine 1431 retained).
Molecular consequence: synonymous variant.
Genome position (GRCh38, 1-based): chr11:108,289,658, T>C. VCF-style: chr11-108289658-T-C. GRCh37 (hg19) VCF-style: chr11-108160385-T-C.
Other names: c.4293T>C, p.Asn1431= (NM_001351834.2).
Identifiers: ClinVar variation 1996572 (VCV001996572.5), dbSNP rs2082673056, ClinGen allele CA476673877.
Genomic context (GRCh38, chr11:108,289,658, plus strand): 5'-CTAGGATTCCTATCAGAAAATTCTTCTTGCCATATGTGAGCAAGCAGCTGAAACAAATAA[T>C]GTTTATAAGAAGCACAGAATTCTTAAAATATATCACCTGTTTGTTAGTTTATTACTGAAA-3'
Protein context (NP_000042.3, residues 1421-1441): AICEQAAETN[Asn1431=]VYKKHRILKI

ClinVar aggregate classification (germline): Benign/Likely benign. Review status: criteria provided, multiple submitters, no conflicts (2 of 4 stars). 2 submissions from 2 submitters: Benign (1); Likely benign (1). Last evaluated 2024-05-17.

Conditions:
Ataxia-telangiectasia syndrome (AT). Also called: Ataxia-telangiectasia, complementation group E; Ataxia-telangiectasia; ATAXIA-TELANGIECTASIA, COMPLEMENTATION GROUP A; Ataxia-telangiectasia, complementation group D; Ataxia telangiectasia (A-T); LOUIS-BAR SYNDROME. Identifiers: Orphanet 100, MedGen C0004135, MONDO:0008840, OMIM 208900.
Familial cancer of breast. Also called: BREAST CANCER, FAMILIAL; Hereditary breast cancer; hereditary breast carcinoma. Identifiers: Orphanet 227535, MedGen C0346153, MONDO:0016419, OMIM 114480. Disease mechanism: loss of function.

Submissions (2):

Myriad Genetics, Inc.
Classification: Benign for Familial cancer of breast. Last evaluated: 2024-05-17. Review status: criteria provided, single submitter. Criteria: Myriad Autosomal Dominant, Autosomal Recessive and X-Linked Classification Criteria (2023). Collection method: clinical testing. Allele origin: unknown.
Comment: This variant is considered benign. This variant is a silent/synonymous amino acid change and it is not expected to impact splicing.

Labcorp Genetics (formerly Invitae), Labcorp
Classification: Likely benign for Ataxia-telangiectasia syndrome. Last evaluated: 2022-11-29. Review status: criteria provided, single submitter. Criteria: Invitae Variant Classification Sherloc (09022015). Collection method: clinical testing. Allele origin: germline.